The following is an entry in ClinVar:

ClinVar aggregate classification (germline): Uncertain significance (1 of 4 stars; one submission).

Submission:

Labcorp Genetics (formerly Invitae), Labcorp
Classification: Uncertain significance. Last evaluated: 2025-08-08. Review status: criteria provided, single submitter. Criteria: Invitae Variant Classification Sherloc (09022015). Collection method: clinical testing. Allele origin: germline.
Comment: This sequence change replaces proline, which is neutral and non-polar, with leucine, which is neutral and non-polar, at codon 651 of the DHX32 protein (p.Pro651Leu). This variant is not present in population databases (gnomAD no frequency). This variant has not been reported in the literature in individuals affected with DHX32-related conditions. An algorithm developed to predict the effect of missense changes on protein structure and function (PolyPhen-2) suggests that this variant is likely to be disruptive. In summary, the available evidence is currently insufficient to determine the role of this variant in disease. Therefore, it has been classified as a Variant of Uncertain Significance.

NM_018180.3(DHX32):c.1952C>T (p.Pro651Leu)

Genes: BCCIP (BRCA2 and CDKN1A interacting protein; plus strand), DHX32 (DEAH-box helicase 32 (putative); minus strand). Cytogenetic location: 10q26.2.
Variant type: single nucleotide variant.
Coding change: c.1952C>T on transcript NM_018180.3 (MANE Select); coding-DNA position 1952, C replaced by T.
Protein change: p.Pro651Leu; replaces proline 651 with leucine.
Molecular consequence: missense variant. On other transcripts: intron variant (2).
Genome position (GRCh38, 1-based): chr10:125,838,317, G>A on the plus strand (C>T on the coding strand, the complement: DHX32 is on the minus strand). VCF-style: chr10-125838317-G-A. GRCh37 (hg19) VCF-style: chr10-127526886-G-A.
Other names: c.775-2938G>A (NM_016567.4, NM_078469.3); short protein forms P651L.
Identifiers: ClinVar variation 4725037 (VCV004725037.1).